The following is an entry in ClinVar:

NM_002660.3(PLCG1):c.3029G>T (p.Arg1010Leu)

Gene: PLCG1 (phospholipase C gamma 1; plus strand). Cytogenetic location: 20q12.
Variant type: single nucleotide variant.
Coding change: c.3029G>T on transcript NM_002660.3 (MANE Select); coding-DNA position 3029, G replaced by T.
Protein change: p.Arg1010Leu; replaces arginine 1010 with leucine.
Molecular consequence: missense variant.
Genome position (GRCh38, 1-based): chr20:41,172,544, G>T. VCF-style: chr20-41172544-G-T. GRCh37 (hg19) VCF-style: chr20-39801184-G-T.
Other names: c.3029G>T, p.Arg1010Leu (NM_182811.2); short protein forms R1010L.
Identifiers: ClinVar variation 4876781 (VCV004876781.1).

ClinVar aggregate classification (germline): Uncertain significance (1 of 4 stars; one submission).

Conditions:
Immune dysregulation, autoimmunity, and autoinflammation (IDAA). Also called: ACTIVATING PLCG1 VARIANT-ASSOCIATED SYNDROME. Identifiers: MedGen C5848750, MONDO:0957790, OMIM 620514.

Submission:

Human Genetics Bochum, Ruhr University Bochum
Classification: Uncertain significance for Immune dysregulation, autoimmunity, and autoinflammation. Last evaluated: 2026-06-15. Review status: criteria provided, single submitter. Criteria: ACMG Guidelines, 2015. Collection method: clinical testing. Allele origin: germline. Affected: yes.
Comment: ACMG criteria used to clasify this variant: PP3_MOD, PM2_SUP